The following is an entry in ClinVar:

NM_002857.4(PEX19):c.526C>G (p.Gln176Glu)

Gene: PEX19 (peroxisomal biogenesis factor 19; minus strand). Cytogenetic location: 1q23.2.
Variant type: single nucleotide variant.
Coding change: c.526C>G on transcript NM_002857.4 (MANE Select); coding-DNA position 526, C replaced by G.
Protein change: p.Gln176Glu; replaces glutamine 176 with glutamic acid.
Molecular consequence: missense variant. On other transcripts: non-coding transcript variant (2).
Genome position (GRCh38, 1-based): chr1:160,282,107, G>C on the plus strand (C>G on the coding strand, the complement: PEX19 is on the minus strand). VCF-style: chr1-160282107-G-C. GRCh37 (hg19) VCF-style: chr1-160251897-G-C.
Other names: c.526C>G, p.Gln176Glu (NM_001193644.1); short protein forms Q176E.
Identifiers: ClinVar variation 1029646 (VCV001029646.7), dbSNP rs1480182464, ClinGen allele CA343260180.

ClinVar aggregate classification (germline): Uncertain significance. Review status: criteria provided, multiple submitters, no conflicts (2 of 4 stars). 2 submissions from 2 submitters: Uncertain significance (2). Last evaluated 2021-09-02.

Conditions:
Peroxisome biogenesis disorder 12A (Zellweger). Also called: Peroxisome biogenesis disorder 12A. Identifiers: Orphanet 912, MedGen C3554002, MONDO:0013951, OMIM 614886.

Allele frequency attached by ClinVar (database versions not stated): gnomAD exomes below 0.00001; TOPMed below 0.00001; gnomAD 0.00001.
gnomAD v4.1: 4 of 1,613,548 alleles (0.00025%); highest among the groups gnomAD compares: Non-Finnish European, 0.00034%; no homozygotes.

Submissions (2):

Labcorp Genetics (formerly Invitae), Labcorp
Classification: Uncertain significance for Peroxisome biogenesis disorder 12A (Zellweger). Last evaluated: 2021-09-02. Review status: criteria provided, single submitter. Criteria: Invitae Variant Classification Sherloc (09022015). Collection method: clinical testing. Allele origin: germline.
Comment: This sequence change replaces glutamine with glutamic acid at codon 176 of the PEX19 protein (p.Gln176Glu). The glutamine residue is moderately conserved and there is a small physicochemical difference between glutamine and glutamic acid. This variant is not present in population databases (ExAC no frequency). This variant has not been reported in the literature in individuals affected with PEX19-related conditions. Algorithms developed to predict the effect of missense changes on protein structure and function are either unavailable or do not agree on the potential impact of this missense change (SIFT: "Tolerated"; PolyPhen-2: "Possibly Damaging"; Align-GVGD: "Class C0"). In summary, the available evidence is currently insufficient to determine the role of this variant in disease. Therefore, it has been classified as a Variant of Uncertain Significance.

Baylor Genetics
Classification: Uncertain significance for Peroxisome biogenesis disorder 12A (Zellweger). Last evaluated: 2020-03-17. Review status: criteria provided, single submitter. Criteria: ACMG Guidelines, 2015. Collection method: clinical testing. Allele origin: unknown. Affected: yes.
Comment: This variant was determined to be of uncertain significance according to ACMG Guidelines, 2015 [PMID:25741868].